The following is an entry in ClinVar:

ClinVar aggregate classification (germline): Uncertain significance. Review status: criteria provided, single submitter (1 of 4 stars). 2 submissions from 1 submitter: Uncertain significance (2). Last evaluated 2023-09-29.

Conditions:
Trichorhinophalangeal dysplasia type I (TRPS1). Also called: TRICHORHINOPHALANGEAL SYNDROME, TYPE I; TRPS I. Identifiers: Orphanet 77258, MedGen C0432233, MONDO:0008596, OMIM 190350.
Trichorhinophalangeal syndrome, type III (TRPS3). Also called: SUGIO-KAJII SYNDROME. Identifiers: Orphanet 77258, MedGen C1860823, OMIM 190351, MONDO:0008597.
Multiple congenital exostosis (EXT). Also called: Multiple exostoses; MULTIPLE CARTILAGINOUS EXOSTOSES; Multiple osteochondromas; Hereditary multiple osteochondromas; Hereditary multiple exostoses; Hereditary multiple exostosis. Identifiers: Orphanet 321, MedGen C0015306, MONDO:0005508, HP:0002762.

Submissions (2):

Labcorp Genetics (formerly Invitae), Labcorp
Classification: Uncertain significance for Multiple congenital exostosis. Last evaluated: 2023-09-29. Review status: criteria provided, single submitter. Criteria: Invitae Variant Classification Sherloc (09022015). Collection method: clinical testing. Allele origin: unknown.
Comment: Experimental studies and prediction algorithms are not available or were not evaluated, and the functional significance of this variant is currently unknown. In summary, the available evidence is currently insufficient to determine the role of this variant in disease. Therefore, it has been classified as a Variant of Uncertain Significance. This variant has not been reported in the literature in individuals affected with EXT1-related conditions. A copy number gain of the genomic region encompassing the full coding sequence of the EXT1 gene has been identified. The boundaries of this event are unknown as they extend beyond the assayed region for this gene and therefore may encompass additional genes. As the precise location of this event is unknown, it may be in tandem or it may be located elsewhere in the genome.

Labcorp Genetics (formerly Invitae), Labcorp
Classification: Uncertain significance for Trichorhinophalangeal syndrome, type III; Trichorhinophalangeal dysplasia type I. Last evaluated: 2023-09-29. Review status: criteria provided, single submitter. Criteria: Invitae Variant Classification Sherloc (09022015). Collection method: clinical testing. Allele origin: unknown.
Comment: This variant has not been reported in the literature in individuals affected with TRPS1-related conditions. In summary, the available evidence is currently insufficient to determine the role of this variant in disease. Therefore, it has been classified as a Variant of Uncertain Significance. A copy number gain of the genomic region encompassing the full coding sequence of the TRPS1 gene has been identified. The boundaries of this event are unknown as they extend beyond the assayed region for this gene and therefore may encompass additional genes. As the precise location of this event is unknown, it may be in tandem or it may be located elsewhere in the genome.

NC_000008.10:g.(?_116426251)_(120844804_?)dup

Genes: AARD (alanine and arginine rich domain containing protein; plus strand), CCN3 (cellular communication network factor 3; plus strand), COLEC10 (collectin subfamily member 10; plus strand), EIF3H (eukaryotic translation initiation factor 3 subunit H; minus strand), ENPP2 (ectonucleotide pyrophosphatase/phosphodiesterase 2; minus strand) and 11 more. Cytogenetic location: 8q23.3-24.12.
Variant type: Duplication.
Identifiers: ClinVar variation 3245404 (VCV003245404.1).